The following is an entry in ClinVar:

NM_001379291.1(BRD4):c.967del (p.Glu323fs)

Gene: BRD4 (bromodomain containing 4; minus strand). Cytogenetic location: 19p13.12.
Variant type: Deletion.
Coding change: c.967del on transcript NM_001379291.1 (MANE Select); coding-DNA position 967, one base deleted (G; older notation c.967delG).
Protein change: p.Glu323fs; shifts the reading frame from glutamic acid 323.
Molecular consequence: frameshift variant.
Genome position (GRCh38, 1-based): chr19:15,264,649, C deleted on the plus strand (G on the coding strand, the reverse complement: BRD4 is on the minus strand); the first of 3 consecutive C bases (chr19:15,264,649-15,264,651); deleting any one gives the same sequence. VCF-style (leftmost placement, unchanged base first): chr19-15264648-TC-T. GRCh37 (hg19) VCF-style: chr19-15375459-TC-T.
Other names: c.967del, p.Glu323fs (NM_001330384.2, NM_001379292.1, NM_014299.3 and 1 more transcripts); short protein forms E323fs.
Identifiers: ClinVar variation 1223626 (VCV001223626.3), dbSNP rs2145599923, ClinGen allele CA2499225417.

ClinVar aggregate classification (germline): Uncertain significance (1 of 4 stars; one submission).

Submission:

GeneDx
Classification: Uncertain significance. Last evaluated: 2019-11-06. Review status: criteria provided, single submitter. Criteria: GeneDx Variant Classification Process June 2021. Collection method: clinical testing. Allele origin: germline. Affected: yes.
Comment: Not observed in large population cohorts (Lek et al., 2016); Frameshift variant predicted to result in protein truncation or nonsense mediated decay in a gene for which loss-of-function is not a known mechanism of disease; Has not been previously published as pathogenic or benign to our knowledge; Variants in candidate genes are classified as variants of uncertain significance in accordance with ACMG guidelines (Richards et al., 2015)